The following is an entry in ClinVar:

NM_014049.5(ACAD9):c.346+63A>G

Gene: ACAD9 (acyl-CoA dehydrogenase family member 9; plus strand). Cytogenetic location: 3q21.3.
Variant type: single nucleotide variant.
Coding change: c.346+63A>G on transcript NM_014049.5 (MANE Select); 63 bases into the intron after coding-DNA position 346, A replaced by G.
Molecular consequence: intron variant.
Genome position (GRCh38, 1-based): chr3:128,893,719, A>G. VCF-style: chr3-128893719-A-G. GRCh37 (hg19) VCF-style: chr3-128612562-A-G.
Identifiers: ClinVar variation 676560 (VCV000676560.2), dbSNP rs10460833, ClinGen allele CA11537843.
Genomic context (GRCh38, chr3:128,893,719, plus strand): 5'-AAGTCAAGCAAACAAGCACCCAGCCAGTTTAGCTCTTAAGAAAGCACTCTGTATTTGTCC[A>G]TAACAGGTCTAGTTGCTGGAATAGATGACACCATCCGTGGTGGGCTACTTGGTAGGGGTG-3'

ClinVar aggregate classification (germline): Benign. Review status: criteria provided, multiple submitters, no conflicts (2 of 4 stars). 2 submissions from 2 submitters: Benign (2). Last evaluated 2018-06-14.

Allele frequency attached by ClinVar (database versions not stated): gnomAD exomes 0.02181; gnomAD 0.04867 and 0.05022; TOPMed 0.05064; 1000 Genomes Project 0.07768; 1000 Genomes Project 30x 0.07870.
gnomAD v4.1: 35,145 of 1,398,604 alleles (2.5%); highest among the groups gnomAD compares: African/African-American, 13%; 1,389 homozygotes.

Submissions (2):

GeneDx
Classification: Benign. Last evaluated: 2018-06-14. Review status: criteria provided, single submitter. Criteria: GeneDx Variant Classification (06012015). Collection method: clinical testing. Allele origin: germline. Affected: yes.
Comment: This variant is considered likely benign or benign based on one or more of the following criteria: it is a conservative change, it occurs at a poorly conserved position in the protein, it is predicted to be benign by multiple in silico algorithms, and/or has population frequency not consistent with disease.

Breakthrough Genomics
Classification: Benign. Review status: criteria provided, single submitter. Criteria: ACMG Guidelines, 2015. Collection method: not provided. Allele origin: germline. Inheritance: Autosomal recessive inheritance. Affected: yes.